The following is an entry in ClinVar:

ClinVar aggregate classification (germline): Uncertain significance (1 of 4 stars; one submission).

Conditions:
Nemaline myopathy 9 (NEM9). Identifiers: MedGen C3810384, MONDO:0014326, OMIM 615731.

Submission:

Labcorp Genetics (formerly Invitae), Labcorp
Classification: Uncertain significance for Nemaline myopathy 9. Last evaluated: 2023-08-30. Review status: criteria provided, single submitter. Criteria: Invitae Variant Classification Sherloc (09022015). Collection method: clinical testing. Allele origin: germline.
Comment: This sequence change replaces tyrosine, which is neutral and polar, with serine, which is neutral and polar, at codon 57 of the KLHL41 protein (p.Tyr57Ser). Information on the frequency of this variant in the gnomAD database is not available, as this variant may be reported differently in the database. This variant has not been reported in the literature in individuals affected with KLHL41-related conditions. ClinVar contains an entry for this variant (Variation ID: 934936). An algorithm developed to predict the effect of missense changes on protein structure and function (PolyPhen-2) suggests that this variant is likely to be disruptive. In summary, the available evidence is currently insufficient to determine the role of this variant in disease. Therefore, it has been classified as a Variant of Uncertain Significance.

NM_006063.3(KLHL41):c.170_171delinsCT (p.Tyr57Ser)

Gene: KLHL41 (kelch like family member 41; plus strand). Cytogenetic location: 2q31.1.
Variant type: Indel.
Coding change: c.170_171delinsCT on transcript NM_006063.3 (MANE Select); coding-DNA positions 170 to 171, AC replaced by CT.
Protein change: p.Tyr57Ser; replaces tyrosine 57 with serine.
Molecular consequence: missense variant.
Genome position (GRCh38, 1-based): chr2:169,509,948-169,509,949, AC replaced by CT. VCF-style: chr2-169509948-AC-CT. GRCh37 (hg19) VCF-style: chr2-170366458-AC-CT.
Other names: short protein forms Y57S.
Identifiers: ClinVar variation 934936 (VCV000934936.6), dbSNP rs1684004022, ClinGen allele CA1139657342.
Genomic context (GRCh38, chr2:169,509,948, plus strand): 5'-TAAAAGCAGGTGACAAAAGTCTTCCTTGCCACAGATTGATTTTGTCAGCTTGTAGTCCTT[AC>CT]TTCCGTGAGTACTTTTTATCTGAAATTGATGAGGCGAAAAAAAAGGAGGTAGTGCTAGAC-3'
Protein context (NP_006054.2, residues 47-67): HRLILSACSP[Tyr57Ser]FREYFLSEID